The following is an entry in ClinVar:

ClinVar aggregate classification (germline): Uncertain significance (1 of 4 stars; one submission).

Conditions:
Desmin-related myofibrillar myopathy (MFM1). Also called: MYOFIBRILLAR MYOPATHY WITH ARRHYTHMOGENIC RIGHT VENTRICULAR CARDIOMYOPATHY; DESMIN-RELATED MYOPATHY WITH ARRHYTHMOGENIC RIGHT VENTRICULAR CARDIOMYOPATHY; Myofibrillar myopathy 1; Desminopathy; Desmin related myopathy (former name); Desmin storage myopathy (former name). Identifiers: Orphanet 363543, Orphanet 98909, MedGen C1832370, MONDO:0011076, OMIM 601419.

gnomAD v4.1: 1 of 1,603,276 alleles (0.000062%); highest among the groups gnomAD compares: East Asian, 0.0023%; no homozygotes.

Submission:

Labcorp Genetics (formerly Invitae), Labcorp
Classification: Uncertain significance for Desmin-related myofibrillar myopathy. Last evaluated: 2019-03-29. Review status: criteria provided, single submitter. Criteria: Invitae Variant Classification Sherloc (09022015). Collection method: clinical testing. Allele origin: germline.
Comment: Algorithms developed to predict the effect of missense changes on protein structure and function are either unavailable or do not agree on the potential impact of this missense change (SIFT: "Tolerated"; PolyPhen-2: "Not Available"; Align-GVGD: "Class C0"). This sequence change replaces alanine with aspartic acid at codon 21 of the DES protein (p.Ala21Asp). The alanine residue is weakly conserved and there is a moderate physicochemical difference between alanine and aspartic acid. This variant is not present in population databases (ExAC no frequency). This variant has not been reported in the literature in individuals with DES-related conditions. In summary, the available evidence is currently insufficient to determine the role of this variant in disease. Therefore, it has been classified as a Variant of Uncertain Significance.

NM_001927.4(DES):c.62C>A (p.Ala21Asp)

Gene: DES (desmin; plus strand). Cytogenetic location: 2q35.
Variant type: single nucleotide variant.
Coding change: c.62C>A on transcript NM_001927.4 (MANE Select); coding-DNA position 62, C replaced by A.
Protein change: p.Ala21Asp; replaces alanine 21 with aspartic acid.
Molecular consequence: missense variant.
Genome position (GRCh38, 1-based): chr2:219,418,524, C>A. VCF-style: chr2-219418524-C-A. GRCh37 (hg19) VCF-style: chr2-220283246-C-A.
Other names: short protein forms A21D.
Identifiers: ClinVar variation 852976 (VCV000852976.10), dbSNP rs755107287, ClinGen allele CA350682495.